The following is an entry in ClinVar:

NM_000059.4(BRCA2):c.351_352del (p.Arg118fs)

Gene: BRCA2 (BRCA2 DNA repair associated; plus strand). Cytogenetic location: 13q13.1.
Variant type: Deletion.
Coding change: c.351_352del on transcript NM_000059.4 (MANE Select); coding-DNA positions 351 to 352, 2 bases deleted (TC; older notation c.351_352delTC).
Protein change: p.Arg118fs; shifts the reading frame from arginine 118.
Molecular consequence: frameshift variant.
Genome position (GRCh38, 1-based): chr13:32,325,110-32,325,111, TC deleted. VCF-style (leftmost placement, unchanged base first): chr13-32325109-TTC-T. GRCh37 (hg19) VCF-style: chr13-32899246-TTC-T.
Other names: short protein forms R118fs.
Identifiers: ClinVar variation 846088 (VCV000846088.10), dbSNP rs1566218145, ClinGen allele CA916080519.

ClinVar aggregate classification (germline): Pathogenic (1 of 4 stars; one submission).

Conditions:
Hereditary breast ovarian cancer syndrome. Also called: Breast and ovarian cancer; Hereditary breast and ovarian cancer; Hereditary breast and/or ovarian cancer syndrome; BRCA1- and BRCA2-Associated Hereditary Breast and Ovarian Cancer; Hereditary breast and ovarian cancer syndrome; Hereditary breast and ovarian cancer syndrome (HBOC). Identifiers: Orphanet 145, MedGen C0677776, MeSH D061325, MONDO:0003582. Disease mechanism: loss of function.

Submission:

Labcorp Genetics (formerly Invitae), Labcorp
Classification: Pathogenic for Hereditary breast ovarian cancer syndrome. Last evaluated: 2022-08-20. Review status: criteria provided, single submitter. Criteria: Invitae Variant Classification Sherloc (09022015). Collection method: clinical testing. Allele origin: germline.
Comment: For these reasons, this variant has been classified as Pathogenic. ClinVar contains an entry for this variant (Variation ID: 846088). This premature translational stop signal has been observed in individual(s) with breast cancer (PMID: 31477031). This variant is not present in population databases (gnomAD no frequency). This sequence change creates a premature translational stop signal (p.Arg118Hisfs*5) in the BRCA2 gene. It is expected to result in an absent or disrupted protein product. Loss-of-function variants in BRCA2 are known to be pathogenic (PMID: 20104584).

Literature cited by the submitters: PubMed 31477031; PubMed 20104584.